The following is an entry in ClinVar:

ClinVar aggregate classification (germline): Uncertain significance (1 of 4 stars; one submission).

Conditions:
Hypertrophic cardiomyopathy. Also called: HYPERTROPHIC MYOCARDIOPATHY. Identifiers: Orphanet 217569, MedGen C0007194, MeSH D002312, MONDO:0005045, HP:0001639.

Allele frequency attached by ClinVar (database versions not stated): gnomAD exomes below 0.00001.
gnomAD v4.1: 1 of 1,585,842 alleles (0.000063%); highest among the groups gnomAD compares: Admixed American, 0.0017%; no homozygotes.

Submission:

Labcorp Genetics (formerly Invitae), Labcorp
Classification: Uncertain significance for Hypertrophic cardiomyopathy. Last evaluated: 2022-06-23. Review status: criteria provided, single submitter. Criteria: Invitae Variant Classification Sherloc (09022015). Collection method: clinical testing. Allele origin: germline.
Comment: This variant has not been reported in the literature in individuals affected with MYH7-related conditions. This variant is present in population databases (no rsID available, gnomAD 0.003%). This sequence change replaces glutamic acid, which is acidic and polar, with glycine, which is neutral and non-polar, at codon 1186 of the MYH7 protein (p.Glu1186Gly). In summary, the available evidence is currently insufficient to determine the role of this variant in disease. Therefore, it has been classified as a Variant of Uncertain Significance. Algorithms developed to predict the effect of missense changes on protein structure and function are either unavailable or do not agree on the potential impact of this missense change (SIFT: "Deleterious"; PolyPhen-2: "Probably Damaging"; Align-GVGD: "Class C0").

NM_000257.4(MYH7):c.3557A>G (p.Glu1186Gly)

Gene: MYH7 (myosin heavy chain 7; minus strand). Cytogenetic location: 14q11.2.
Variant type: single nucleotide variant.
Coding change: c.3557A>G on transcript NM_000257.4 (MANE Select); coding-DNA position 3557, A replaced by G.
Protein change: p.Glu1186Gly; replaces glutamic acid 1186 with glycine.
Molecular consequence: missense variant.
Genome position (GRCh38, 1-based): chr14:23,420,014, T>C on the plus strand (A>G on the coding strand, the complement: MYH7 is on the minus strand). VCF-style: chr14-23420014-T-C. GRCh37 (hg19) VCF-style: chr14-23889223-T-C.
Other names: c.3557A>G, p.Glu1186Gly (NM_001407004.1); short protein forms E1186G.
Identifiers: ClinVar variation 2009667 (VCV002009667.4), dbSNP rs1457787531, ClinGen allele CA389043486.